The following is an entry in ClinVar:

ClinVar aggregate classification (germline): Uncertain significance (1 of 4 stars; one submission).

Submission:

Ambry Genetics
Classification: Uncertain significance. Last evaluated: 2025-07-21. Review status: criteria provided, single submitter. Criteria: Ambry Variant Classification Scheme 2023. Collection method: clinical testing. Allele origin: germline.
Comment: The p.D607E variant (also known as c.1821T>A), located in coding exon 18 of the NEBL gene, results from a T to A substitution at nucleotide position 1821. The aspartic acid at codon 607 is replaced by glutamic acid, an amino acid with highly similar properties. This amino acid position is conserved. In addition, this alteration is predicted to be tolerated by in silico analysis. Based on the available evidence, the clinical significance of this variant remains unclear.

NM_006393.3(NEBL):c.1821T>A (p.Asp607Glu)

Gene: NEBL (nebulette; minus strand). Cytogenetic location: 10p12.31.
Variant type: single nucleotide variant.
Coding change: c.1821T>A on transcript NM_006393.3 (MANE Select); coding-DNA position 1821, T replaced by A.
Protein change: p.Asp607Glu; replaces aspartic acid 607 with glutamic acid.
Molecular consequence: missense variant. On other transcripts: intron variant (9).
Genome position (GRCh38, 1-based): chr10:20,826,495, A>T on the plus strand (T>A on the coding strand, the complement: NEBL is on the minus strand). VCF-style: chr10-20826495-A-T. GRCh37 (hg19) VCF-style: chr10-21115424-A-T.
Other names: c.250-13555T>A (NM_001377326.1, NM_001377327.1, NM_001377328.1); c.358-13555T>A (NM_213569.2, NM_001173484.2, NM_001377322.1); c.301-13555T>A (NM_001377324.1); c.292-13555T>A (NM_001377325.1); c.310-13555T>A (NM_001377323.1); short protein forms D607E.
Identifiers: ClinVar variation 4118404 (VCV004118404.1).